The following is an entry in ClinVar:

NM_152564.5(VPS13B):c.9331-11_9331-3dup

Gene: VPS13B (vacuolar protein sorting 13 homolog B; plus strand). Cytogenetic location: 8q22.2.
Variant type: Duplication.
Coding change: c.9331-11_9331-3dup on transcript NM_152564.5 (MANE Select); 11 bases into the intron before coding-DNA position 9331 through 3 bases into the intron before coding-DNA position 9331, 9 bases duplicated (TTTTTTTTT; older notation c.9331-11_9331-3dupTTTTTTTTT).
Molecular consequence: intron variant.
Genome position (GRCh38, 1-based): chr8:99,832,358-99,832,366, TTTTTTTTT duplicated; duplicating any 9 consecutive bases within chr8:99,832,342-99,832,366 gives the same sequence; the c. name uses the placement nearest the transcript's 3' end. VCF-style (leftmost placement, unchanged base first): chr8-99832341-A-ATTTTTTTTT. GRCh37 (hg19) VCF-style: chr8-100844569-A-ATTTTTTTTT.
Other names: c.9406-11_9406-3dup (NM_017890.5).
Identifiers: ClinVar variation 3044775 (VCV003044775.2), dbSNP rs370235149, ClinGen allele CA1117121070.

ClinVar aggregate classification (germline): Likely benign (0 of 4 stars; one submission).

Conditions:
VPS13B-related disorder. Also called: VPS13B-related condition.

Submission:

PreventionGenetics, part of Exact Sciences
Classification: Likely benign for VPS13B-related condition. Last evaluated: 2021-06-03. Review status: no assertion criteria provided. Collection method: clinical testing. Allele origin: germline.
Comment: This variant is classified as likely benign based on ACMG/AMP sequence variant interpretation guidelines (Richards et al. 2015 PMID: 25741868, with internal and published modifications).